The following is an entry in ClinVar:

NM_015570.4(AUTS2):c.3581A>G (p.Tyr1194Cys)

Gene: AUTS2 (activator of transcription and developmental regulator AUTS2; plus strand). Cytogenetic location: 7q11.22.
Variant type: single nucleotide variant.
Coding change: c.3581A>G on transcript NM_015570.4 (MANE Select); coding-DNA position 3581, A replaced by G.
Protein change: p.Tyr1194Cys; replaces tyrosine 1194 with cysteine.
Molecular consequence: missense variant.
Genome position (GRCh38, 1-based): chr7:70,790,797, A>G. VCF-style: chr7-70790797-A-G. GRCh37 (hg19) VCF-style: chr7-70255783-A-G.
Other names: c.3509A>G, p.Tyr1170Cys (NM_001127231.3); short protein forms Y1170C, Y1194C.
Identifiers: ClinVar variation 4057117 (VCV004057117.1).

ClinVar aggregate classification (germline): Uncertain significance (1 of 4 stars; one submission).

gnomAD v4.1: 1 of 1,609,044 alleles (0.000062%); highest among the groups gnomAD compares: Non-Finnish European, 0.000085%; no homozygotes.

Submission:

GeneDx
Classification: Uncertain significance. Last evaluated: 2025-01-14. Review status: criteria provided, single submitter. Criteria: GeneDx Variant Classification Process June 2021. Collection method: clinical testing. Allele origin: germline. Affected: yes.
Comment: In silico analysis supports that this missense variant has a deleterious effect on protein structure/function; Has not been previously published as pathogenic or benign to our knowledge